The following is an entry in ClinVar:

NM_020461.4(TUBGCP6):c.3841G>T (p.Ala1281Ser)

Gene: TUBGCP6 (tubulin gamma complex component 6; minus strand). Cytogenetic location: 22q13.33.
Variant type: single nucleotide variant.
Coding change: c.3841G>T on transcript NM_020461.4 (MANE Select); coding-DNA position 3841, G replaced by T.
Protein change: p.Ala1281Ser; replaces alanine 1281 with serine.
Molecular consequence: missense variant.
Genome position (GRCh38, 1-based): chr22:50,220,518, C>A on the plus strand (G>T on the coding strand, the complement: TUBGCP6 is on the minus strand). VCF-style: chr22-50220518-C-A. GRCh37 (hg19) VCF-style: chr22-50658947-C-A.
Other names: c.3841G>T (NM_020461.3); short protein forms A1281S.
Identifiers: ClinVar variation 1463642 (VCV001463642.9), dbSNP rs370490130, ClinGen allele CA10307806.

ClinVar aggregate classification (germline): Uncertain significance. Review status: criteria provided, multiple submitters, no conflicts (2 of 4 stars). 2 submissions from 2 submitters: Uncertain significance (2). Last evaluated 2023-07-07.

Conditions:
Inborn genetic diseases. Identifiers: MedGen C0950123, MeSH D030342.

Allele frequency attached by ClinVar (database versions not stated): ExAC 0.00001; gnomAD exomes 0.00001 and 0.00003; gnomAD 0.00002; TOPMed 0.00002; ESP Exome Variant Server 0.00008.
gnomAD v4.1: 45 of 1,613,174 alleles (0.0028%); highest among the groups gnomAD compares: Non-Finnish European, 0.0036%; no homozygotes.

Submissions (2):

Labcorp Genetics (formerly Invitae), Labcorp
Classification: Uncertain significance. Last evaluated: 2023-07-07. Review status: criteria provided, single submitter. Criteria: Invitae Variant Classification Sherloc (09022015). Collection method: clinical testing. Allele origin: germline.
Comment: This sequence change replaces alanine, which is neutral and non-polar, with serine, which is neutral and polar, at codon 1281 of the TUBGCP6 protein (p.Ala1281Ser). This variant is present in population databases (rs370490130, gnomAD 0.002%). This variant has not been reported in the literature in individuals affected with TUBGCP6-related conditions. ClinVar contains an entry for this variant (Variation ID: 1463642). An algorithm developed to predict the effect of missense changes on protein structure and function (PolyPhen-2) suggests that this variant is likely to be tolerated. In summary, the available evidence is currently insufficient to determine the role of this variant in disease. Therefore, it has been classified as a Variant of Uncertain Significance.

Ambry Genetics
Classification: Uncertain significance for Inborn genetic diseases. Last evaluated: 2021-07-13. Review status: criteria provided, single submitter. Criteria: Ambry Variant Classification Scheme 2023. Collection method: clinical testing. Allele origin: germline.